The following is an entry in ClinVar:

NM_006343.3(MERTK):c.709C>T (p.Arg237Cys)

Gene: MERTK (MER proto-oncogene, tyrosine kinase; plus strand). Cytogenetic location: 2q13.
Variant type: single nucleotide variant.
Coding change: c.709C>T on transcript NM_006343.3 (MANE Select); coding-DNA position 709, C replaced by T.
Protein change: p.Arg237Cys; replaces arginine 237 with cysteine.
Molecular consequence: missense variant.
Genome position (GRCh38, 1-based): chr2:111,947,519, C>T. VCF-style: chr2-111947519-C-T. GRCh37 (hg19) VCF-style: chr2-112705096-C-T.
Other names: short protein forms R237C.
Identifiers: ClinVar variation 330744 (VCV000330744.17), dbSNP rs770812369, ClinGen allele CA1831128.

ClinVar aggregate classification (germline): Uncertain significance. Review status: criteria provided, multiple submitters, no conflicts (2 of 4 stars). 3 submissions from 3 submitters: Uncertain significance (3). Last evaluated 2025-04-29.

Conditions:
Inborn genetic diseases. Identifiers: MedGen C0950123, MeSH D030342.
Retinitis pigmentosa (RP). Identifiers: Orphanet 791, MedGen C0035334, MeSH D012174, MONDO:0019200, OMIM 268000. Inheritance: Autosomal dominant, autosomal recessive and X linked inheritance.

Allele frequency attached by ClinVar (database versions not stated): TOPMed below 0.00001; ExAC 0.00001.
gnomAD v4.1: 2 of 1,614,182 alleles (0.00012%); highest among the groups gnomAD compares: South Asian, 0.0011%; no homozygotes.

Submissions (3):

Ambry Genetics
Classification: Uncertain significance for Inborn genetic diseases. Last evaluated: 2025-04-29. Review status: criteria provided, single submitter. Criteria: Ambry Variant Classification Scheme 2023. Collection method: clinical testing. Allele origin: germline.

Labcorp Genetics (formerly Invitae), Labcorp
Classification: Uncertain significance. Last evaluated: 2022-02-24. Review status: criteria provided, single submitter. Criteria: Invitae Variant Classification Sherloc (09022015). Collection method: clinical testing. Allele origin: germline.
Comment: In summary, the available evidence is currently insufficient to determine the role of this variant in disease. Therefore, it has been classified as a Variant of Uncertain Significance. Algorithms developed to predict the effect of missense changes on protein structure and function (SIFT, PolyPhen-2, Align-GVGD) all suggest that this variant is likely to be disruptive. ClinVar contains an entry for this variant (Variation ID: 330744). This variant has not been reported in the literature in individuals affected with MERTK-related conditions. This variant is present in population databases (rs770812369, gnomAD 0.003%). This sequence change replaces arginine, which is basic and polar, with cysteine, which is neutral and slightly polar, at codon 237 of the MERTK protein (p.Arg237Cys).

Illumina Laboratory Services, Illumina
Classification: Uncertain significance for Retinitis pigmentosa. Last evaluated: 2018-01-12. Review status: criteria provided, single submitter. Criteria: ICSL Variant Classification Criteria 13 December 2019. Collection method: clinical testing. Allele origin: germline.